The following is an entry in ClinVar:

NM_005529.7(HSPG2):c.6105G>A (p.Gln2035=)

Gene: HSPG2 (heparan sulfate proteoglycan 2; minus strand). Cytogenetic location: 1p36.12.
Variant type: single nucleotide variant.
Coding change: c.6105G>A on transcript NM_005529.7 (MANE Select); coding-DNA position 6105, G replaced by A.
Protein change: p.Gln2035=; no amino-acid change (glutamine 2035 retained).
Molecular consequence: synonymous variant.
Genome position (GRCh38, 1-based): chr1:21,854,876, C>T on the plus strand (G>A on the coding strand, the complement: HSPG2 is on the minus strand). VCF-style: chr1-21854876-C-T. GRCh37 (hg19) VCF-style: chr1-22181369-C-T.
Other names: c.6108G>A, p.Gln2036= (NM_001291860.2).
Identifiers: ClinVar variation 295816 (VCV000295816.19), dbSNP rs371397998, ClinGen allele CA671678.

ClinVar aggregate classification (germline): Benign/Likely benign. Review status: criteria provided, multiple submitters, no conflicts (2 of 4 stars). 6 submissions from 5 submitters: Benign (2); Likely benign (3). 1 of the submissions does not count toward it. Last evaluated 2026-01-24.

Conditions:
Connective tissue disorder. Also called: Connective tissue disease. Identifiers: MedGen C0009782, MONDO:0003900.
Lethal Kniest-like syndrome (DDSH). Also called: Dyssegmental Dysplasia. Identifiers: Orphanet 1865, MedGen C1857100, MONDO:0009140, OMIM 224410.
HSPG2-related disorder. Also called: HSPG2-related condition; HSPG2-related disorders.
Schwartz-Jampel syndrome. Also called: Myotonic myopathy dwarfism chondrodystrophy and ocular and facial abnormalities. Identifiers: Orphanet 800, MedGen C0036391, MONDO:0009717.

Allele frequency attached by ClinVar (database versions not stated): gnomAD 0.00001 and 0.00025; TOPMed 0.00006; gnomAD exomes 0.00092; 1000 Genomes Project 0.00100; ExAC 0.00103; 1000 Genomes Project 30x 0.00109.
gnomAD v4.1: 729 of 1,614,174 alleles (0.045%); highest among the groups gnomAD compares: South Asian, 0.76%; 13 homozygotes.

Submissions (6):

Labcorp Genetics (formerly Invitae), Labcorp
Classification: Benign. Last evaluated: 2026-01-24. Review status: criteria provided, single submitter. Criteria: Invitae Variant Classification Sherloc (09022015). Collection method: clinical testing. Allele origin: germline.

Athena Diagnostics
Classification: Benign. Last evaluated: 2024-09-11. Review status: criteria provided, single submitter. Criteria: Athena Diagnostics Criteria. Collection method: clinical testing. Allele origin: unknown.

Genome Diagnostics Laboratory, The Hospital for Sick Children
Classification: Likely benign for Connective tissue disorder. Last evaluated: 2021-11-08. Review status: criteria provided, single submitter. Criteria: ACMG Guidelines, 2015. Collection method: clinical testing. Allele origin: germline.

Illumina Laboratory Services, Illumina
Classification: Likely benign for Lethal Kniest-like syndrome. Last evaluated: 2018-01-13. Review status: criteria provided, single submitter. Criteria: ICSL Variant Classification Criteria 13 December 2019. Collection method: clinical testing. Allele origin: germline.
Comment: This variant was observed in the ICSL laboratory as part of a predisposition screen in an ostensibly healthy population. It had not been previously curated by ICSL or reported in the Human Gene Mutation Database (HGMD: prior to June 1st, 2018), and was therefore a candidate for classification through an automated scoring system. Utilizing variant allele frequency, disease prevalence and penetrance estimates, and inheritance mode, an automated score was calculated to assess if this variant is too frequent to cause the disease. Based on the score and internal cut-off values, a variant classified as likely benign is not then subjected to further curation. The score for this variant resulted in a classification of likely benign for this disease.

Illumina Laboratory Services, Illumina
Classification: Likely benign for Schwartz-Jampel syndrome type 1. Last evaluated: 2018-01-13. Review status: criteria provided, single submitter. Criteria: ICSL Variant Classification Criteria 13 December 2019. Collection method: clinical testing. Allele origin: germline.
Comment: the same text as in the submission from Illumina Laboratory Services, Illumina above.

PreventionGenetics, part of Exact Sciences
Classification: Likely benign for HSPG2-related condition. Last evaluated: 2019-04-18. Review status: no assertion criteria provided. Collection method: clinical testing. Allele origin: germline. Not counted in ClinVar's aggregate classification.
Comment: This variant is classified as likely benign based on ACMG/AMP sequence variant interpretation guidelines (Richards et al. 2015 PMID: 25741868, with internal and published modifications).